The following is an entry in ClinVar:

ClinVar aggregate classification (germline): Pathogenic (1 of 4 stars; one submission).

Conditions:
Multiple endocrine neoplasia, type 1 (MEN1). Also called: MEN I; WERMER SYNDROME; Endocrine adenomatosis multiple; MEN 1; MEA I. Identifiers: Orphanet 652, MedGen C0025267, MeSH D018761, MONDO:0007540, OMIM 131100.

Submission:

Labcorp Genetics (formerly Invitae), Labcorp
Classification: Pathogenic for Multiple endocrine neoplasia, type 1. Last evaluated: 2018-06-23. Review status: criteria provided, single submitter. Criteria: Invitae Variant Classification Sherloc (09022015). Collection method: clinical testing. Allele origin: germline.
Comment: This variant is a partial deletion of the genomic region encompassing part of exon 10 (c.1562_*1546del) of the MEN1 gene. While this deletion is not anticipated to result in nonsense mediated decay, it is expected to create a truncated protein product or disrupt mRNA translation. While this particular variant has not been reported in the literature, larger deletions encompassing exon 10 have been observed in individuals affected with multiple endocrine neoplasia (PMID: 17623761, 28818680, 29036195), and truncating variants in MEN1 are known to be pathogenic (PMID: 17853334, 12112656). This deletion removes the functionally conserved nuclear localization signal of the MEN1 protein. Experimental studies have shown that disruption of this region abrogates the ability of MEN1 to bind DNA, regulate target gene expression, and inhibit cell proliferation (PMID: 15331604, 16449969). For these reasons, this variant has been classified as Pathogenic.

Literature cited by the submitters: PubMed 16449969; PubMed 15331604; PubMed 17623761; PubMed 12112656; PubMed 29036195; PubMed 28818680; PubMed 17853334.

NM_130799.2(MEN1):c.1351_*820del (p.Val451fs)

Gene: MEN1 (menin 1; minus strand). Cytogenetic location: 11q13.1.
Variant type: Deletion.
Coding change: c.1351_*820del on transcript NM_130799.2; coding-DNA position 1351 through 820 bases downstream of the stop codon, 1,303 bases deleted.
Protein change: p.Val451fs; shifts the reading frame from valine 451.
Genome position (GRCh38, 1-based): chr11:64,803,514-64,804,816, 1,303 bases deleted. GRCh37 (hg19): chr11:64,570,986-64,572,288.
Other names: short protein forms V451fs.
Identifiers: ClinVar variation 572762 (VCV000572762.3), ClinGen allele CA891843125.